The following is an entry in ClinVar:

NM_001853.4(COL9A3):c.1685dup (p.Gly563fs)

Gene: COL9A3 (collagen type IX alpha 3 chain; plus strand). Cytogenetic location: 20q13.33.
Variant type: Duplication.
Coding change: c.1685dup on transcript NM_001853.4 (MANE Select); coding-DNA position 1685, one base duplicated (C; older notation c.1685dupC).
Protein change: p.Gly563fs; shifts the reading frame from glycine 563.
Molecular consequence: frameshift variant.
Genome position (GRCh38, 1-based): chr20:62,837,164, C duplicated; the last of 6 consecutive C bases (chr20:62,837,159-62,837,164); duplicating any one gives the same sequence. VCF-style (leftmost placement, unchanged base first): chr20-62837158-G-GC. GRCh37 (hg19) VCF-style: chr20-61468510-G-GC.
Other names: short protein forms G563fs.
Identifiers: ClinVar variation 1433347 (VCV001433347.7), dbSNP rs759213760, ClinGen allele CA9950143.

ClinVar aggregate classification (germline): Pathogenic/Likely pathogenic. Review status: criteria provided, multiple submitters, no conflicts (2 of 4 stars). 2 submissions from 2 submitters: Pathogenic (1); Likely pathogenic (1). Last evaluated 2024-01-08.

Conditions:
COL9A3-related disorders.

Submissions (2):

Blueprint Genetics
Classification: Likely pathogenic for COL9A3-related disorders. Last evaluated: 2024-01-08. Review status: criteria provided, single submitter. Criteria: ACMG Guidelines, 2015. Collection method: clinical testing. Allele origin: germline. Affected: yes. Observed: 2 variant alleles.

Labcorp Genetics (formerly Invitae), Labcorp
Classification: Pathogenic. Last evaluated: 2022-08-27. Review status: criteria provided, single submitter. Criteria: Invitae Variant Classification Sherloc (09022015). Collection method: clinical testing. Allele origin: germline.
Comment: For these reasons, this variant has been classified as Pathogenic. ClinVar contains an entry for this variant (Variation ID: 1433347). This variant has not been reported in the literature in individuals affected with COL9A3-related conditions. This variant is not present in population databases (gnomAD no frequency). This sequence change creates a premature translational stop signal (p.Gly563Trpfs*38) in the COL9A3 gene. It is expected to result in an absent or disrupted protein product. Loss-of-function variants in COL9A3 are known to be pathogenic (PMID: 24273071, 31090205).

Literature cited by the submitters: PubMed 24273071 (cited by Labcorp Genetics (formerly Invitae), Labcorp); PubMed 31090205 (cited by Labcorp Genetics (formerly Invitae), Labcorp).